The following is an entry in ClinVar:

NM_000535.7(PMS2):c.1474A>C (p.Lys492Gln)

Gene: PMS2 (PMS1 homolog 2, mismatch repair system component; minus strand). Cytogenetic location: 7p22.1.
Variant type: single nucleotide variant.
Coding change: c.1474A>C on transcript NM_000535.7 (MANE Select); coding-DNA position 1474, A replaced by C.
Protein change: p.Lys492Gln; replaces lysine 492 with glutamine.
Molecular consequence: missense variant. On other transcripts: non-coding transcript variant (1).
Genome position (GRCh38, 1-based): chr7:5,987,291, T>G on the plus strand (A>C on the coding strand, the complement: PMS2 is on the minus strand). VCF-style: chr7-5987291-T-G. GRCh37 (hg19) VCF-style: chr7-6026922-T-G.
Other names: c.1069A>C, p.Lys357Gln (NM_001322003.2, NM_001322004.2, NM_001322005.2 and 1 more transcripts); c.1318A>C, p.Lys440Gln (NM_001322006.2); c.1156A>C, p.Lys386Gln (NM_001322007.2, NM_001322008.2); c.1474A>C (NM_000535.5); c.913A>C, p.Lys305Gln (NM_001322010.2); c.541A>C, p.Lys181Gln (NM_001322011.2, NM_001322012.2); c.901A>C, p.Lys301Gln (NM_001322013.2); c.1474A>C, p.Lys492Gln (NM_001322014.2); and 1 more; short protein forms K301Q, K440Q, K492Q, K181Q, K305Q, K389Q, K357Q, K386Q.
Identifiers: ClinVar variation 1040111 (VCV001040111.10), dbSNP rs1783080233, ClinGen allele CA366741857.

ClinVar aggregate classification (germline): Conflicting classifications of pathogenicity. Review status: criteria provided, conflicting classifications (1 of 4 stars). 2 submissions from 2 submitters: Uncertain significance (1); Likely benign (1). Last evaluated 2026-08-14.

Conditions:
Hereditary cancer-predisposing syndrome. Also called: Tumor predisposition; Hereditary Cancer Syndrome; Hereditary neoplastic syndrome; Neoplastic Syndromes, Hereditary. Identifiers: Orphanet 140162, MedGen C0027672, MeSH D009386, MONDO:0015356.
Hereditary nonpolyposis colorectal neoplasms. Identifiers: MedGen C0009405, MeSH D003123.

Submissions (2):

Ambry Genetics
Classification: Likely benign for Hereditary cancer-predisposing syndrome. Last evaluated: 2026-08-14. Review status: criteria provided, single submitter. Criteria: Ambry Variant Classification Scheme 2023. Collection method: clinical testing. Allele origin: germline.

Labcorp Genetics (formerly Invitae), Labcorp
Classification: Uncertain significance for Hereditary nonpolyposis colorectal neoplasms. Last evaluated: 2020-11-01. Review status: criteria provided, single submitter. Criteria: Invitae Variant Classification Sherloc (09022015). Collection method: clinical testing. Allele origin: germline.
Comment: This sequence change replaces lysine with glutamine at codon 492 of the PMS2 protein (p.Lys492Gln). The lysine residue is weakly conserved and there is a small physicochemical difference between lysine and glutamine. This variant is not present in population databases (ExAC no frequency). This variant has not been reported in the literature in individuals with PMS2-related conditions. Advanced modeling of protein sequence and biophysical properties (such as structural, functional, and spatial information, amino acid conservation, physicochemical variation, residue mobility, and thermodynamic stability) performed at Invitae indicates that this missense variant is not expected to disrupt PMS2 protein function. In summary, the available evidence is currently insufficient to determine the role of this variant in disease. Therefore, it has been classified as a Variant of Uncertain Significance.